The following is an entry in ClinVar:

NM_000208.4(INSR):c.2456G>A (p.Arg819His)

Gene: INSR (insulin receptor; minus strand). Cytogenetic location: 19p13.2.
Variant type: single nucleotide variant.
Coding change: c.2456G>A on transcript NM_000208.4 (MANE Select); coding-DNA position 2456, G replaced by A.
Protein change: p.Arg819His; replaces arginine 819 with histidine.
Molecular consequence: missense variant.
Genome position (GRCh38, 1-based): chr19:7,142,902, C>T on the plus strand (G>A on the coding strand, the complement: INSR is on the minus strand). VCF-style: chr19-7142902-C-T. GRCh37 (hg19) VCF-style: chr19-7142913-C-T.
Other names: c.2420G>A, p.Arg807His (NM_001079817.3); short protein forms R819H, R807H.
Identifiers: ClinVar variation 2229488 (VCV002229488.6), dbSNP rs1283504748, ClinGen allele CA403662425.

ClinVar aggregate classification (germline): Uncertain significance. Review status: criteria provided, multiple submitters, no conflicts (2 of 4 stars). 3 submissions from 3 submitters: Uncertain significance (3). Last evaluated 2023-12-10.

Conditions:
Inborn genetic diseases. Identifiers: MedGen C0950123, MeSH D030342.

Allele frequency attached by ClinVar (database versions not stated): gnomAD 0.00001.
gnomAD v4.1: 9 of 1,613,978 alleles (0.00056%); highest among the groups gnomAD compares: African/African-American, 0.0013%; no homozygotes.

Submissions (3):

Labcorp Genetics (formerly Invitae), Labcorp
Classification: Uncertain significance. Last evaluated: 2023-12-10. Review status: criteria provided, single submitter. Criteria: Invitae Variant Classification Sherloc (09022015). Collection method: clinical testing. Allele origin: germline.
Comment: This sequence change replaces arginine, which is basic and polar, with histidine, which is basic and polar, at codon 819 of the INSR protein (p.Arg819His). This variant is not present in population databases (gnomAD no frequency). This variant has not been reported in the literature in individuals affected with INSR-related conditions. ClinVar contains an entry for this variant (Variation ID: 2229488). Advanced modeling of protein sequence and biophysical properties (such as structural, functional, and spatial information, amino acid conservation, physicochemical variation, residue mobility, and thermodynamic stability) performed at Invitae indicates that this missense variant is not expected to disrupt INSR protein function with a negative predictive value of 80%. In summary, the available evidence is currently insufficient to determine the role of this variant in disease. Therefore, it has been classified as a Variant of Uncertain Significance.

GeneDx
Classification: Uncertain significance. Last evaluated: 2023-05-09. Review status: criteria provided, single submitter. Criteria: GeneDx Variant Classification Process June 2021. Collection method: clinical testing. Allele origin: germline. Affected: yes.
Comment: Not observed at significant frequency in large population cohorts (gnomAD); In silico analysis supports that this missense variant has a deleterious effect on protein structure/function; Has not been previously published as pathogenic or benign to our knowledge

Ambry Genetics
Classification: Uncertain significance for Inborn genetic diseases. Last evaluated: 2021-03-23. Review status: criteria provided, single submitter. Criteria: Ambry Variant Classification Scheme 2023. Collection method: clinical testing. Allele origin: germline.
Comment: The c.2456G>A (p.R819H) alteration is located in exon 12 (coding exon 12) of the INSR gene. This alteration results from a G to A substitution at nucleotide position 2456, causing the arginine (R) at amino acid position 819 to be replaced by a histidine (H). The p.R819H alteration is predicted to be tolerated by in silico analysis. Based on insufficient or conflicting evidence, the clinical significance of this alteration remains unclear.